The following is an entry in ClinVar:

NM_005762.3(TRIM28):c.955-1G>A

Gene: TRIM28 (tripartite motif containing 28; plus strand). Cytogenetic location: 19q13.43.
Variant type: single nucleotide variant.
Coding change: c.955-1G>A on transcript NM_005762.3 (MANE Select); the canonical splice acceptor site of the intron before coding-DNA position 955, G replaced by A.
Molecular consequence: splice acceptor variant.
Genome position (GRCh38, 1-based): chr19:58,548,033, G>A. VCF-style: chr19-58548033-G-A. GRCh37 (hg19) VCF-style: chr19-59059400-G-A.
Identifiers: ClinVar variation 4855172 (VCV004855172.1).
Genomic context (GRCh38, chr19:58,548,033, plus strand): 5'-GAGGAGTGATCCTAGTATTCTTCTGCCTTCTCTGCTTACCTCATACACCTTCTATCTGCA[G>A]AAGGTGACTGAGGGGCAGCAGGAGCGCCTGGAGCGGCAGCACTGGACCATGACCAAGATC-3'

ClinVar aggregate classification (germline): Likely pathogenic (1 of 4 stars; one submission).

Conditions:
Wilms tumor 7. Identifiers: MedGen C6065906, MONDO:0979876, OMIM 621332.

Submission:

3billion
Classification: Likely pathogenic for Wilms tumor 7. Last evaluated: 2025-11-10. Review status: criteria provided, single submitter. Criteria: ACMG Guidelines, 2015. Collection method: clinical testing. Allele origin: germline. Affected: yes.
Comment: The variant is not observed in the gnomAD v4.1.0 dataset. Predicted Consequence/Location: Canonical splice site: predicted to alter splicing and result in a loss or disruption of normal protein function. Multiple pathogenic loss-of-function variants are reported downstream of the variant. Therefore, this variant is classified as Likely pathogenic according to the recommendation of ACMG/AMP guideline.